The following is an entry in ClinVar:

NM_019096.5(GTPBP2):c.520C>T (p.Arg174Cys)

Gene: GTPBP2 (GTP binding protein 2; minus strand). Cytogenetic location: 6p21.1.
Variant type: single nucleotide variant.
Coding change: c.520C>T on transcript NM_019096.5 (MANE Select); coding-DNA position 520, C replaced by T.
Protein change: p.Arg174Cys; replaces arginine 174 with cysteine.
Molecular consequence: missense variant.
Genome position (GRCh38, 1-based): chr6:43,625,548, G>A on the plus strand (C>T on the coding strand, the complement: GTPBP2 is on the minus strand). VCF-style: chr6-43625548-G-A. GRCh37 (hg19) VCF-style: chr6-43593285-G-A.
Other names: c.256C>T, p.Arg86Cys (NM_001286216.2); short protein forms R174C, R86C.
Identifiers: ClinVar variation 1468847 (VCV001468847.7), dbSNP rs769628380, ClinGen allele CA3827752.

ClinVar aggregate classification (germline): Uncertain significance (1 of 4 stars; one submission).

Allele frequency attached by ClinVar (database versions not stated): gnomAD exomes below 0.00001 and 0.00001; ExAC 0.00001; gnomAD 0.00001; TOPMed 0.00001.
gnomAD v4.1: 15 of 1,612,808 alleles (0.00093%); highest among the groups gnomAD compares: African/African-American, 0.0027%; no homozygotes.

Submission:

Labcorp Genetics (formerly Invitae), Labcorp
Classification: Uncertain significance. Last evaluated: 2021-12-03. Review status: criteria provided, single submitter. Criteria: Invitae Variant Classification Sherloc (09022015). Collection method: clinical testing. Allele origin: germline.
Comment: In summary, the available evidence is currently insufficient to determine the role of this variant in disease. Therefore, it has been classified as a Variant of Uncertain Significance. Algorithms developed to predict the effect of missense changes on protein structure and function are either unavailable or do not agree on the potential impact of this missense change (SIFT: "Deleterious"; PolyPhen-2: "Probably Damaging"; Align-GVGD: "Class C0"). This variant has not been reported in the literature in individuals affected with GTPBP2-related conditions. This variant is present in population databases (rs769628380, gnomAD 0.007%). This sequence change replaces arginine, which is basic and polar, with cysteine, which is neutral and slightly polar, at codon 174 of the GTPBP2 protein (p.Arg174Cys).